The following is an entry in ClinVar:

ClinVar aggregate classification (germline): Uncertain significance (1 of 4 stars; one submission).

Conditions:
Gorlin syndrome. Also called: Nevoid Basal Cell Carcinoma Syndrome; Basal cell nevus syndrome. Identifiers: Orphanet 377, MedGen C0004779, MONDO:0007187.

Submission:

Labcorp Genetics (formerly Invitae), Labcorp
Classification: Uncertain significance for Gorlin syndrome. Last evaluated: 2023-03-26. Review status: criteria provided, single submitter. Criteria: Invitae Variant Classification Sherloc (09022015). Collection method: clinical testing. Allele origin: germline.
Comment: This variant has not been reported in the literature in individuals affected with PTCH1-related conditions. In summary, the available evidence is currently insufficient to determine the role of this variant in disease. Therefore, it has been classified as a Variant of Uncertain Significance. Advanced modeling of protein sequence and biophysical properties (such as structural, functional, and spatial information, amino acid conservation, physicochemical variation, residue mobility, and thermodynamic stability) performed at Invitae indicates that this missense variant is not expected to disrupt PTCH1 protein function. This variant is not present in population databases (gnomAD no frequency). This sequence change replaces glutamine, which is neutral and polar, with lysine, which is basic and polar, at codon 11 of the PTCH1 protein (p.Gln11Lys).

NM_000264.5(PTCH1):c.31C>A (p.Gln11Lys)

Genes: PTCH1 (patched 1; minus strand), LOC130002133 (ATAC-STARR-seq lymphoblastoid silent region 20071; plus strand). Cytogenetic location: 9q22.32.
Variant type: single nucleotide variant.
Coding change: c.31C>A on transcript NM_000264.5 (MANE Select); coding-DNA position 31, C replaced by A.
Protein change: p.Gln11Lys; replaces glutamine 11 with lysine.
Molecular consequence: missense variant. On other transcripts: non-coding transcript variant (1), intron variant (3).
Genome position (GRCh38, 1-based): chr9:95,508,331, G>T on the plus strand (C>A on the coding strand, the complement: PTCH1 is on the minus strand). VCF-style: chr9-95508331-G-T. GRCh37 (hg19) VCF-style: chr9-98270613-G-T.
Other names: c.31C>A, p.Gln11Lys (NM_001354918.2); c.199-1732C>A (NM_001083603.3); c.4-1732C>A (NM_001083602.3, NM_001354919.2); short protein forms Q11K.
Identifiers: ClinVar variation 2841474 (VCV002841474.3), dbSNP rs2538404666, ClinGen allele CA374121621.